The following is an entry in ClinVar:

NM_001754.5(RUNX1):c.44A>G (p.Gln15Arg)

Gene: RUNX1 (RUNX family transcription factor 1; minus strand). Cytogenetic location: 21q22.12.
Variant type: single nucleotide variant.
Coding change: c.44A>G on transcript NM_001754.5 (MANE Select); coding-DNA position 44, A replaced by G.
Protein change: p.Gln15Arg; replaces glutamine 15 with arginine.
Molecular consequence: missense variant.
Genome position (GRCh38, 1-based): chr21:35,048,856, T>C on the plus strand (A>G on the coding strand, the complement: RUNX1 is on the minus strand). VCF-style: chr21-35048856-T-C. GRCh37 (hg19) VCF-style: chr21-36421153-T-C.
Other names: NM_001754.5(RUNX1):c.44A>G; p.Gln15Arg; c.44A>G (NM_001754.4); short protein forms Q15R.
Identifiers: ClinVar variation 1012031 (VCV001012031.10), dbSNP rs1451712499, ClinGen allele CA410208219.

ClinVar aggregate classification (germline): Uncertain significance. Review status: reviewed by expert panel (3 of 4 stars). 3 submissions from 3 submitters: Uncertain significance (1). 2 of the submissions do not count toward it. Last evaluated 2025-02-25.

Conditions:
Inborn genetic diseases. Identifiers: MedGen C0950123, MeSH D030342.
Hereditary thrombocytopenia and hematologic cancer predisposition syndrome. Identifiers: Orphanet 71290, MedGen CN281654, MONDO:0011071.
Hereditary thrombocytopenia and hematological cancer predisposition syndrome associated with RUNX1. Also called: Familial thrombocytopenia with propensity to acute myelogenous leukemia; PLATELET DISORDER, ASPIRIN-LIKE; RUNX1 Familial Platelet Disorder with Associated Myeloid Malignancies; Familial Platelet Disorder with Propensity to Acute Myelogenous Leukemia. Identifiers: Orphanet 71290, MedGen C1832388, MeSH C563324, MONDO:0100083, OMIM 601399.

Allele frequency attached by ClinVar (database versions not stated): gnomAD exomes below 0.00001; TOPMed 0.00001.
gnomAD v4.1: 1 of 1,613,834 alleles (0.000062%); highest among the groups gnomAD compares: African/African-American, 0.0013%; no homozygotes.

Submissions (3):

ClinGen Myeloid Malignancy Variant Curation Expert Panel
Classification: Uncertain significance for Hereditary thrombocytopenia and hematologic cancer predisposition syndrome. Last evaluated: 2025-02-25. Review status: reviewed by expert panel. Criteria: ClinGen MyeloMalig ACMG Specifications v2. Collection method: curation. Allele origin: germline. Inheritance: Autosomal dominant inheritance.
Comment: NM_001754.5(RUNX1):c.44A>G (p.Gln15Arg) is a missense variant which is absent from all population databases, including gnomAD v2.1.1 and gnomAD v3.1.2, both providing at least 20x coverage for the RUNX1 gene at this genomic position (PM2_supporting). This variant has a REVEL score of 0.236 (< 0.50), allowing for the application of BP4. To our knowledge, this variant has not been previously reported, nor are there any pathogenic or likely pathogenic amino acid changes affecting the same residue. In summary, the clinical significance of this variant is uncertain. ACMG/AMP criteria applied, as specified by the Myeloid Malignancy Variant Curation Expert Panel for RUNX1: PM2_supporting, BP4.

Ambry Genetics
Classification: Uncertain significance for Inborn genetic diseases. Last evaluated: 2025-06-02. Review status: criteria provided, single submitter. Criteria: Ambry Variant Classification Scheme 2023. Collection method: clinical testing. Allele origin: germline. Not counted in ClinVar's aggregate classification.
Comment: The p.Q15R variant (also known as c.44A>G), located in coding exon 1 of the RUNX1 gene, results from an A to G substitution at nucleotide position 44. The glutamine at codon 15 is replaced by arginine, an amino acid with highly similar properties. This amino acid position is conserved. In addition, the in silico prediction for this alteration is inconclusive. Based on the available evidence, the clinical significance of this variant remains unclear.

Labcorp Genetics (formerly Invitae), Labcorp
Classification: Uncertain significance for Hereditary thrombocytopenia and hematological cancer predisposition syndrome associated with RUNX1. Last evaluated: 2020-07-25. Review status: criteria provided, single submitter. Criteria: Invitae Variant Classification Sherloc (09022015). Collection method: clinical testing. Allele origin: germline. Not counted in ClinVar's aggregate classification.
Comment: This sequence change replaces glutamine with arginine at codon 15 of the RUNX1 protein (p.Gln15Arg). The glutamine residue is weakly conserved and there is a small physicochemical difference between glutamine and arginine. This variant is not present in population databases (ExAC no frequency). This variant has not been reported in the literature in individuals with RUNX1-related conditions. Algorithms developed to predict the effect of missense changes on protein structure and function (SIFT, PolyPhen-2, Align-GVGD) all suggest that this variant is likely to be tolerated, but these predictions have not been confirmed by published functional studies and their clinical significance is uncertain. In summary, the available evidence is currently insufficient to determine the role of this variant in disease. Therefore, it has been classified as a Variant of Uncertain Significance.